The following is an entry in ClinVar:

NM_000718.4(CACNA1B):c.6192G>A (p.Gln2064=)

Gene: CACNA1B (calcium voltage-gated channel subunit alpha1 B; plus strand). Cytogenetic location: 9q34.3.
Variant type: single nucleotide variant.
Coding change: c.6192G>A on transcript NM_000718.4 (MANE Select); coding-DNA position 6192, G replaced by A.
Protein change: p.Gln2064=; no amino-acid change (glutamine 2064 retained).
Molecular consequence: synonymous variant.
Genome position (GRCh38, 1-based): chr9:138,120,326, G>A. VCF-style: chr9-138120326-G-A. GRCh37 (hg19) VCF-style: chr9-141014778-G-A.
Other names: c.6192G>A, p.Gln2064= (NM_001243812.2).
Identifiers: ClinVar variation 733911 (VCV000733911.13), dbSNP rs200191611, ClinGen allele CA5377639.
Genomic context (GRCh38, chr9:138,120,326, plus strand): 5'-TAGCCAGGCGTCGTCGCACCACCACCACCACCGCTGCCACCGCCGCAGGGACAGGAAGCA[G>A]AGGTCCCTGGAGAAGGGGCCCAGCCTGTCTGCCGATATGGATGGCGGTGCGTGCGGAGGG-3'
Protein context (NP_000709.1, residues 2054-2074): HRCHRRRDRK[Gln2064=]RSLEKGPSLS

ClinVar aggregate classification (germline): Conflicting classifications of pathogenicity. Review status: criteria provided, conflicting classifications (1 of 4 stars). 4 submissions from 4 submitters: Uncertain significance (1); Benign (1); Likely benign (2). Last evaluated 2026-05-14.

Conditions:
CACNA1B-related disorder. Also called: CACNA1B-related condition.

Allele frequency attached by ClinVar (database versions not stated): gnomAD exomes 0.00012 and 0.00040; 1000 Genomes Project 30x 0.00047; ESP Exome Variant Server 0.00048; 1000 Genomes Project 0.00060; ExAC 0.00080; gnomAD 0.00145 and 0.00161; TOPMed 0.00148.
gnomAD v4.1: 402 of 1,561,350 alleles (0.026%); highest among the groups gnomAD compares: African/African-American, 0.49%; 1 homozygote.

Submissions (4):

PreventionGenetics, part of Exact Sciences
Classification: Likely benign for CACNA1B-related condition. Last evaluated: 2026-05-14. Review status: criteria provided, single submitter. Criteria: ACMG Guidelines, 2015. Collection method: clinical testing. Allele origin: germline.
Comment: This variant is classified as likely benign based on ACMG/AMP sequence variant interpretation guidelines (Richards et al. 2015 PMID: 25741868, with internal and published modifications).

Labcorp Genetics (formerly Invitae), Labcorp
Classification: Benign. Last evaluated: 2026-02-03. Review status: criteria provided, single submitter. Criteria: Invitae Variant Classification Sherloc (09022015). Collection method: clinical testing. Allele origin: germline.

GeneDx
Classification: Uncertain significance. Last evaluated: 2025-11-13. Review status: criteria provided, single submitter. Criteria: GeneDx Variant Classification Process June 2021. Collection method: clinical testing. Allele origin: germline. Affected: yes.
Comment: Has not been previously published as pathogenic or benign to our knowledge; In silico analysis suggests this variant may impact gene splicing. In the absence of RNA/functional studies, the actual effect of this sequence change is unknown.

Blueprint Genetics
Classification: Likely benign. Last evaluated: 2023-12-14. Review status: criteria provided, single submitter. Criteria: ACMG Guidelines, 2015. Collection method: clinical testing. Allele origin: germline.